The following is an entry in ClinVar:

NM_001429.4(EP300):c.3870T>C (p.Ala1290=)

Gene: EP300 (EP300 lysine acetyltransferase; plus strand). Cytogenetic location: 22q13.2.
Variant type: single nucleotide variant.
Coding change: c.3870T>C on transcript NM_001429.4 (MANE Select); coding-DNA position 3870, T replaced by C.
Protein change: p.Ala1290=; no amino-acid change (alanine 1290 retained).
Molecular consequence: synonymous variant.
Genome position (GRCh38, 1-based): chr22:41,166,662, T>C. VCF-style: chr22-41166662-T-C. GRCh37 (hg19) VCF-style: chr22-41562666-T-C.
Other names: c.3792T>C, p.Ala1264= (NM_001362843.2); c.3870T>C (NM_001429.3).
Identifiers: ClinVar variation 3605182 (VCV003605182.3).

ClinVar aggregate classification (germline): Likely benign. Review status: criteria provided, multiple submitters, no conflicts (2 of 4 stars). 2 submissions from 2 submitters: Likely benign (2). Last evaluated 2025-09-30.

Conditions:
EP300-related disorder. Also called: EP300-related disorders; EP300-related condition.
Rubinstein-Taybi syndrome due to EP300 haploinsufficiency. Also called: EP300-Related Rubinstein-Taybi Syndrome; RUBINSTEIN-TAYBI SYNDROME 2. Identifiers: Orphanet 353284, Orphanet 783, MedGen C3150941, MONDO:0013364, OMIM 613684.

gnomAD v4.1: 3 of 1,610,162 alleles (0.00019%); highest among the groups gnomAD compares: African/African-American, 0.0013%; no homozygotes.

Submissions (2):

PreventionGenetics, part of Exact Sciences
Classification: Likely benign for EP300-related condition. Last evaluated: 2025-09-30. Review status: criteria provided, single submitter. Criteria: ACMG Guidelines, 2015. Collection method: clinical testing. Allele origin: germline.
Comment: This variant is classified as likely benign based on ACMG/AMP sequence variant interpretation guidelines (Richards et al. 2015 PMID: 25741868, with internal and published modifications).

Labcorp Genetics (formerly Invitae), Labcorp
Classification: Likely benign for Rubinstein-Taybi syndrome due to EP300 haploinsufficiency. Last evaluated: 2024-06-21. Review status: criteria provided, single submitter. Criteria: Invitae Variant Classification Sherloc (09022015). Collection method: clinical testing. Allele origin: germline.